The following is an entry in ClinVar:

ClinVar aggregate classification (germline): Uncertain significance (1 of 4 stars; one submission).

Conditions:
MKS1-related disorder. Also called: MKS1-related disorders; MKS1-related condition. Identifiers: MedGen CN239382.

gnomAD v4.1: 1 of 1,613,786 alleles (0.000062%); highest among the groups gnomAD compares: Non-Finnish European, 0.000085%; no homozygotes.

Submission:

PreventionGenetics, part of Exact Sciences
Classification: Uncertain significance for MKS1-related condition. Last evaluated: 2026-09-10. Review status: criteria provided, single submitter. Criteria: ACMG Guidelines, 2015. Collection method: clinical testing. Allele origin: germline.
Comment: The MKS1 c.1537G>A variant is predicted to result in the amino acid substitution p.Gly513Arg. To our knowledge, this variant has not been reported in the literature or in a large population database (gnomAD), indicating this variant is rare. At this time, the clinical significance of this variant is uncertain due to the absence of conclusive functional and genetic evidence.

NM_017777.4(MKS1):c.1620G>A (p.Gln540=)

Gene: MKS1 (MKS transition zone complex subunit 1; minus strand). Cytogenetic location: 17q22.
Variant type: single nucleotide variant.
Coding change: c.1620G>A on transcript NM_017777.4 (MANE Select); coding-DNA position 1620, G replaced by A.
Protein change: p.Gln540=; no amino-acid change (glutamine 540 retained).
Molecular consequence: synonymous variant. On other transcripts: missense variant (1), 3 prime UTR variant (1).
Genome position (GRCh38, 1-based): chr17:58,206,139, C>T on the plus strand (G>A on the coding strand, the complement: MKS1 is on the minus strand). VCF-style: chr17-58206139-C-T. GRCh37 (hg19) VCF-style: chr17-56283500-C-T.
Other names: NM_001165927.1:c.1590G>A; c.1011G>A, p.Gln337= (NM_001321268.2); c.1537G>A, p.Gly513Arg (NM_001321269.2); c.*32G>A (NM_001330397.2); c.1537G>A (NM_001321269.1); short protein forms G513R.
Identifiers: ClinVar variation 4984778 (VCV004984778.1), dbSNP rs267604965.